The following is an entry in ClinVar:

ClinVar aggregate classification (germline): Pathogenic. Review status: criteria provided, multiple submitters, no conflicts (2 of 4 stars). 6 submissions from 6 submitters: Pathogenic (4). 2 of the submissions do not count toward it. Last evaluated 2025-07-01.

Conditions:
CNGB3-related disorder. Also called: CNGB3-related disorders; CNGB3-related condition. Identifiers: MedGen CN239340.
Retinal dystrophy. Also called: Inherited retinal dystrophy. Identifiers: Orphanet 71862, MedGen C0854723, MeSH D058499, MONDO:0019118, HP:0000556.
Achromatopsia. Also called: Rod monochromatism. Identifiers: Orphanet 49382, MedGen C0152200, MONDO:0018852, HP:0011516.
Achromatopsia 3 (ACHM3). Also called: ACHROMATOPSIA WITH MYOPIA; PINGELAPESE BLINDNESS; TOTAL COLORBLINDNESS WITH MYOPIA; ROD MONOCHROMACY 1; ROD MONOCHROMATISM 1. Identifiers: Orphanet 49382, MedGen C1849792, MONDO:0009875, OMIM 262300.
Abnormality of the eye. Identifiers: MedGen C4316870, HP:0000478.

Submissions (6):

Natera, Inc.
Classification: Pathogenic for Achromatopsia. Last evaluated: 2025-07-01. Review status: criteria provided, single submitter. Criteria: Natera Variant Classification Schema (03/2026). Collection method: clinical testing. Allele origin: germline.
Comment: The c.1285delT variant in CNGB3 is a frameshift variant predicted to shift the reading frame beginning at codon 429 and leads to a stop codon 9 codons downstream. This variant is expected to result in nonsense mediated decay, truncation, or a dysfunctional protein product. This variant is rare in the general population with a frequency below the threshold expected for the associated phenotype(s). This variant has been observed in one or more individuals affected with the associated recessive disease, as either homozygous or compound heterozygous with a second variant (PMID: 29053603). Given the available evidence, this variant is classified as Pathogenic.

Labcorp Genetics (formerly Invitae), Labcorp
Classification: Pathogenic. Last evaluated: 2024-01-24. Review status: criteria provided, single submitter. Criteria: Invitae Variant Classification Sherloc (09022015). Collection method: clinical testing. Allele origin: germline.
Comment: This sequence change creates a premature translational stop signal (p.Ser429Leufs*9) in the CNGB3 gene. It is expected to result in an absent or disrupted protein product. Loss-of-function variants in CNGB3 are known to be pathogenic (PMID: 28795510). This variant is present in population databases (no rsID available, gnomAD 0.0009%). This premature translational stop signal has been observed in individual(s) with inherited retinal dystrophy (PMID: 28041643, 28795510, 29053603). ClinVar contains an entry for this variant (Variation ID: 427658). Algorithms developed to predict the effect of sequence changes on RNA splicing suggest that this variant may disrupt the consensus splice site. For these reasons, this variant has been classified as Pathogenic.

Blueprint Genetics
Classification: Pathogenic for CNGB3-related disorders. Last evaluated: 2020-07-03. Review status: criteria provided, single submitter. Criteria: ACMG Guidelines, 2015. Collection method: clinical testing. Allele origin: germline. Affected: yes. Observed: 4 variant alleles.

Institute of Human Genetics, Univ. Regensburg, Univ. Regensburg
Classification: Pathogenic for Retinal dystrophy. Last evaluated: 2016-01-01. Review status: criteria provided, single submitter. Criteria: ACMG Guidelines, 2015. Collection method: clinical testing. Allele origin: germline. Affected: yes.

Molecular Genetics Laboratory, Institute for Ophthalmic Research
Classification: Pathogenic for ACHM3. Last evaluated: 2017-03-27. Review status: no assertion criteria provided. Collection method: research. Allele origin: maternal. Affected: yes. Not counted in ClinVar's aggregate classification.

NIHR Bioresource Rare Diseases, University of Cambridge
Classification: Likely pathogenic for Disorder of eye. Last evaluated: 2015-01-01. Review status: no assertion criteria provided. Collection method: research. Allele origin: unknown. Affected: yes. Observed: 1 variant allele. Not counted in ClinVar's aggregate classification.
Comment: Undetermined rare ocular disorder with frequency of less than eight patients

Literature cited by the submitters: PubMed 29053603 (cited by 3 submitters); PubMed 28795510 (cited by 3 submitters); PubMed 28041643 (cited by 3 submitters); PubMed 31964843 (cited by Institute of Human Genetics, Univ. Regensburg, Univ. Regensburg); PubMed 32581362 (cited by Institute of Human Genetics, Univ. Regensburg, Univ. Regensburg); PubMed 36460718 (cited by Institute of Human Genetics, Univ. Regensburg, Univ. Regensburg).

NM_019098.5(CNGB3):c.1285del (p.Ser429fs)

Gene: CNGB3 (cyclic nucleotide gated channel subunit beta 3; minus strand). Cytogenetic location: 8q21.3.
Variant type: Deletion.
Coding change: c.1285del on transcript NM_019098.5 (MANE Select); coding-DNA position 1285, one base deleted (T; older notation c.1285delT).
Protein change: p.Ser429fs; shifts the reading frame from serine 429.
Molecular consequence: frameshift variant.
Genome position (GRCh38, 1-based): chr8:86,632,787, A deleted on the plus strand (T on the coding strand, the reverse complement: CNGB3 is on the minus strand); the first of 8 consecutive A bases (chr8:86,632,787-86,632,794); deleting any one gives the same sequence. VCF-style (leftmost placement, unchanged base first): chr8-86632786-GA-G. GRCh37 (hg19) VCF-style: chr8-87645014-GA-G.
Other names: c.1285delT (NM_019098.4); short protein forms S429fs.
Identifiers: ClinVar variation 427658 (VCV000427658.10), dbSNP rs776896038, ClinGen allele CA461813787.